The following is an entry in ClinVar:

NM_002691.4(POLD1):c.27A>G (p.Pro9=)

Gene: POLD1 (DNA polymerase delta 1, catalytic subunit; plus strand). Cytogenetic location: 19q13.33.
Variant type: single nucleotide variant.
Coding change: c.27A>G on transcript NM_002691.4 (MANE Select); coding-DNA position 27, A replaced by G.
Protein change: p.Pro9=; no amino-acid change (proline 9 retained).
Molecular consequence: synonymous variant. On other transcripts: non-coding transcript variant (1).
Genome position (GRCh38, 1-based): chr19:50,398,878, A>G. VCF-style: chr19-50398878-A-G. GRCh37 (hg19) VCF-style: chr19-50902135-A-G.
Other names: c.27A>G, p.Pro9= (NM_001256849.1, NM_001308632.1).
Identifiers: ClinVar variation 484367 (VCV000484367.18), dbSNP rs369159202, ClinGen allele CA508180001.

ClinVar aggregate classification (germline): Likely benign. Review status: criteria provided, multiple submitters, no conflicts (2 of 4 stars). 3 submissions from 3 submitters: Likely benign (3). Last evaluated 2026-03-01.

Conditions:
POLD1-related polyposis and colorectal cancer syndrome (CRCS10). Also called: Colorectal cancer, susceptibility to, 10; Colorectal cancer 10; COLORECTAL CANCER, SUSCEPTIBILITY TO, ON CHROMOSOME 19q. Identifiers: Orphanet 220460, MedGen C2675481, MONDO:0012953, OMIM 612591.
Hereditary cancer-predisposing syndrome. Also called: Hereditary neoplastic syndrome; Tumor predisposition; Neoplastic Syndromes, Hereditary; Hereditary Cancer Syndrome. Identifiers: Orphanet 140162, MedGen C0027672, MeSH D009386, MONDO:0015356.

Allele frequency attached by ClinVar (database versions not stated): gnomAD exomes below 0.00001; TOPMed below 0.00001; gnomAD 0.00001.
gnomAD v4.1: 2 of 1,607,848 alleles (0.00012%); highest among the groups gnomAD compares: African/African-American, 0.0013%; no homozygotes.

Submissions (3):

CeGaT Center for Human Genetics Tuebingen
Classification: Likely benign. Last evaluated: 2026-03-01. Review status: criteria provided, single submitter. Criteria: CeGaT Center For Human Genetics Tuebingen Variant Classification Criteria Version 2. Collection method: clinical testing. Allele origin: germline. Affected: yes. Observed: 1 variant allele.
Comment: POLD1: BP4, BP7

Labcorp Genetics (formerly Invitae), Labcorp
Classification: Likely benign for POLD1-related polyposis and colorectal cancer syndrome. Last evaluated: 2024-06-10. Review status: criteria provided, single submitter. Criteria: Invitae Variant Classification Sherloc (09022015). Collection method: clinical testing. Allele origin: germline.

Ambry Genetics
Classification: Likely benign for Hereditary cancer-predisposing syndrome. Last evaluated: 2016-02-04. Review status: criteria provided, single submitter. Criteria: Ambry Variant Classification Scheme 2023. Collection method: clinical testing. Allele origin: germline.